The following is an entry in ClinVar:

ClinVar aggregate classification (germline): Uncertain significance. Review status: criteria provided, multiple submitters, no conflicts (2 of 4 stars). 2 submissions from 2 submitters: Uncertain significance (2). Last evaluated 2024-08-11.

Conditions:
Sulfite oxidase deficiency. Also called: Isolated sulfite oxidase deficiency. Identifiers: Orphanet 833, Orphanet 99731, MedGen C0268624, MONDO:0010089, OMIM 272300, HP:0003643.
Inborn genetic diseases. Identifiers: MedGen C0950123, MeSH D030342.

Allele frequency attached by ClinVar (database versions not stated): gnomAD exomes 0.00001 and 0.00003; ExAC 0.00004; gnomAD 0.00007 and 0.00008; ESP Exome Variant Server 0.00008; TOPMed 0.00009; 1000 Genomes Project 30x 0.00016; 1000 Genomes Project 0.00020.
gnomAD v4.1: 33 of 1,614,130 alleles (0.002%); highest among the groups gnomAD compares: African/African-American, 0.02%; no homozygotes.

Submissions (2):

Ambry Genetics
Classification: Uncertain significance for Inborn genetic diseases. Last evaluated: 2024-08-11. Review status: criteria provided, single submitter. Criteria: Ambry Variant Classification Scheme 2023. Collection method: clinical testing. Allele origin: germline.

Labcorp Genetics (formerly Invitae), Labcorp
Classification: Uncertain significance for Sulfite oxidase deficiency. Last evaluated: 2022-10-18. Review status: criteria provided, single submitter. Criteria: Invitae Variant Classification Sherloc (09022015). Collection method: clinical testing. Allele origin: germline.
Comment: This sequence change replaces valine, which is neutral and non-polar, with isoleucine, which is neutral and non-polar, at codon 316 of the SUOX protein (p.Val316Ile). This variant is present in population databases (rs150528313, gnomAD 0.02%). This variant has not been reported in the literature in individuals affected with SUOX-related conditions. ClinVar contains an entry for this variant (Variation ID: 1394925). Advanced modeling of protein sequence and biophysical properties (such as structural, functional, and spatial information, amino acid conservation, physicochemical variation, residue mobility, and thermodynamic stability) performed at Invitae indicates that this missense variant is not expected to disrupt SUOX protein function. In summary, the available evidence is currently insufficient to determine the role of this variant in disease. Therefore, it has been classified as a Variant of Uncertain Significance.

NM_001032386.2(SUOX):c.946G>A (p.Val316Ile)

Gene: SUOX (sulfite oxidase; plus strand). Cytogenetic location: 12q13.2.
Variant type: single nucleotide variant.
Coding change: c.946G>A on transcript NM_001032386.2 (MANE Select); coding-DNA position 946, G replaced by A.
Protein change: p.Val316Ile; replaces valine 316 with isoleucine.
Molecular consequence: missense variant.
Genome position (GRCh38, 1-based): chr12:56,004,335, G>A. VCF-style: chr12-56004335-G-A. GRCh37 (hg19) VCF-style: chr12-56398119-G-A.
Other names: c.946G>A, p.Val316Ile (NM_000456.3, NM_001032387.2); c.946G>A (NM_000456.2); short protein forms V316I.
Identifiers: ClinVar variation 1394925 (VCV001394925.6), dbSNP rs150528313, ClinGen allele CA6621068.